The following is an entry in ClinVar:

ClinVar aggregate classification (germline): Uncertain significance. Review status: criteria provided, multiple submitters, no conflicts (2 of 4 stars). 3 submissions from 3 submitters: Uncertain significance (3). Last evaluated 2025-03-06.

Conditions:
Inborn genetic diseases. Identifiers: MedGen C0950123, MeSH D030342.

Allele frequency attached by ClinVar (database versions not stated): gnomAD 0.00001 and 0.00002; gnomAD exomes 0.00001 and 0.00002; TOPMed 0.00001; ExAC 0.00002.
gnomAD v4.1: 12 of 1,613,864 alleles (0.00074%); highest among the groups gnomAD compares: Admixed American, 0.01%; no homozygotes.

Submissions (3):

Ambry Genetics
Classification: Uncertain significance for Inborn genetic diseases. Last evaluated: 2025-03-06. Review status: criteria provided, single submitter. Criteria: Ambry Variant Classification Scheme 2023. Collection method: clinical testing. Allele origin: germline.

Labcorp Genetics (formerly Invitae), Labcorp
Classification: Uncertain significance. Last evaluated: 2024-07-09. Review status: criteria provided, single submitter. Criteria: Invitae Variant Classification Sherloc (09022015). Collection method: clinical testing. Allele origin: germline.
Comment: This sequence change replaces serine, which is neutral and polar, with arginine, which is basic and polar, at codon 779 of the SAMD9 protein (p.Ser779Arg). This variant is present in population databases (rs777548695, gnomAD 0.02%). This variant has not been reported in the literature in individuals affected with SAMD9-related conditions. ClinVar contains an entry for this variant (Variation ID: 1424224). Advanced modeling of protein sequence and biophysical properties (such as structural, functional, and spatial information, amino acid conservation, physicochemical variation, residue mobility, and thermodynamic stability) performed at Invitae indicates that this missense variant is not expected to disrupt SAMD9 protein function with a negative predictive value of 95%. In summary, the available evidence is currently insufficient to determine the role of this variant in disease. Therefore, it has been classified as a Variant of Uncertain Significance.

GeneDx
Classification: Uncertain significance. Last evaluated: 2023-06-01. Review status: criteria provided, single submitter. Criteria: GeneDx Variant Classification Process June 2021. Collection method: clinical testing. Allele origin: germline. Affected: yes.
Comment: In silico analysis supports that this missense variant does not alter protein structure/function; Has not been previously published as pathogenic or benign to our knowledge

NM_017654.4(SAMD9):c.2337T>A (p.Ser779Arg)

Gene: SAMD9 (sterile alpha motif domain containing 9; minus strand). Cytogenetic location: 7q21.2.
Variant type: single nucleotide variant.
Coding change: c.2337T>A on transcript NM_017654.4 (MANE Select); coding-DNA position 2337, T replaced by A.
Protein change: p.Ser779Arg; replaces serine 779 with arginine.
Molecular consequence: missense variant.
Genome position (GRCh38, 1-based): chr7:93,103,761, A>T on the plus strand (T>A on the coding strand, the complement: SAMD9 is on the minus strand). VCF-style: chr7-93103761-A-T. GRCh37 (hg19) VCF-style: chr7-92733074-A-T.
Other names: c.2337T>A (NM_017654.3); c.2337T>A, p.Ser779Arg (NM_001193307.2); short protein forms S779R.
Identifiers: ClinVar variation 1424224 (VCV001424224.9), dbSNP rs777548695, ClinGen allele CA4342856.
Genomic context (GRCh38, chr7:93,103,761, plus strand): 5'-ATCAACAAGGAGTAGTACAGGTACGTATTCCTGACGGTTCATTGCCCCATAGGTGATTAA[A>T]CTGGTTACCTGTTCTCCAATTTCAGAAAAATCCACTGTCTTGTTTTTCAGCACAGCACAT-3'
Protein context (NP_060124.2, residues 769-789): DFSEIGEQVT[Ser779Arg]LITYGAMNRQ